The following is an entry in ClinVar:

NM_000428.3(LTBP2):c.2966C>G (p.Pro989Arg)

Gene: LTBP2 (latent transforming growth factor beta binding protein 2; minus strand). Cytogenetic location: 14q24.3.
Variant type: single nucleotide variant.
Coding change: c.2966C>G on transcript NM_000428.3 (MANE Select); coding-DNA position 2966, C replaced by G.
Protein change: p.Pro989Arg; replaces proline 989 with arginine.
Molecular consequence: missense variant.
Genome position (GRCh38, 1-based): chr14:74,511,307, G>C on the plus strand (C>G on the coding strand, the complement: LTBP2 is on the minus strand). VCF-style: chr14-74511307-G-C. GRCh37 (hg19) VCF-style: chr14-74978010-G-C.
Other names: short protein forms P989R.
Identifiers: ClinVar variation 775349 (VCV000775349.38), dbSNP rs76172717, ClinGen allele CA7269336.

ClinVar aggregate classification (germline): Conflicting classifications of pathogenicity. Review status: criteria provided, conflicting classifications (1 of 4 stars). 4 submissions from 3 submitters: Uncertain significance (1); Benign (3). Last evaluated 2026-02-04.

Conditions:
Weill-Marchesani syndrome. Also called: WM Syndrome; Mesodermal dysmorphodystrophy congenital. Identifiers: Orphanet 3449, MedGen C0265313, MONDO:0018096.
Glaucoma 3, primary congenital, D. Identifiers: Orphanet 98976, MedGen C2751316, MONDO:0013122, OMIM 613086.

Allele frequency attached by ClinVar (database versions not stated): ESP Exome Variant Server 0.00108; gnomAD 0.00180 and 0.00246; TOPMed 0.00207; gnomAD exomes 0.00342 and 0.00526; 1000 Genomes Project 30x 0.00484; ExAC 0.00551; 1000 Genomes Project 0.00559.
gnomAD v4.1: 5,403 of 1,614,156 alleles (0.33%); highest among the groups gnomAD compares: South Asian, 2.9%; 88 homozygotes.

Submissions (4):

Labcorp Genetics (formerly Invitae), Labcorp
Classification: Benign. Last evaluated: 2026-02-04. Review status: criteria provided, single submitter. Criteria: Invitae Variant Classification Sherloc (09022015). Collection method: clinical testing. Allele origin: germline.

CeGaT Center for Human Genetics Tuebingen
Classification: Benign. Last evaluated: 2025-11-01. Review status: criteria provided, single submitter. Criteria: CeGaT Center For Human Genetics Tuebingen Variant Classification Criteria Version 2. Collection method: clinical testing. Allele origin: germline. Affected: yes. Observed: 5 variant alleles.
Comment: LTBP2: BS1, BS2

Illumina Laboratory Services, Illumina
Classification: Benign for Weill-Marchesani syndrome. Last evaluated: 2017-04-27. Review status: criteria provided, single submitter. Criteria: ICSL Variant Classification Criteria 13 December 2019. Collection method: clinical testing. Allele origin: germline.
Comment: This variant was observed as part of a predisposition screen in an ostensibly healthy population. A literature search was performed for the gene, cDNA change, and amino acid change (where applicable). No publications were found based on this search. Allele frequency data from public databases was too high to be consistent with this variant causing disease. Therefore, this variant is classified as benign.

Illumina Laboratory Services, Illumina
Classification: Uncertain significance for Glaucoma 3, primary congenital, D. Last evaluated: 2017-04-27. Review status: criteria provided, single submitter. Criteria: ICSL Variant Classification Criteria 13 December 2019. Collection method: clinical testing. Allele origin: germline.
Comment: This variant was observed as part of a predisposition screen in an ostensibly healthy population. A literature search was performed for the gene, cDNA change, and amino acid change (where applicable). Publications were found based on this search. However, the evidence from the literature, in combination with allele frequency data from public databases where available, was not sufficient to rule this variant in or out of causing disease. Therefore, this variant is classified as a variant of unknown significance.

Literature cited by the submitters: PubMed 23401661 (cited by Illumina Laboratory Services, Illumina); PubMed 19656777 (cited by Illumina Laboratory Services, Illumina).